The following is an entry in ClinVar:

NM_016138.5(COQ7):c.138G>A (p.Arg46=)

Gene: COQ7 (coenzyme Q7, hydroxylase; plus strand). Cytogenetic location: 16p12.3.
Variant type: single nucleotide variant.
Coding change: c.138G>A on transcript NM_016138.5 (MANE Select); coding-DNA position 138, G replaced by A.
Protein change: p.Arg46=; no amino-acid change (arginine 46 retained).
Molecular consequence: synonymous variant. On other transcripts: non-coding transcript variant (3).
Genome position (GRCh38, 1-based): chr16:19,071,992, G>A. VCF-style: chr16-19071992-G-A. GRCh37 (hg19) VCF-style: chr16-19083314-G-A.
Other names: c.24G>A, p.Arg8= (NM_001190983.2, NM_001370492.1, NM_001370493.1 and 2 more transcripts); c.96G>A, p.Arg32= (NM_001370489.1, NM_001370491.1); c.138G>A, p.Arg46= (NM_001370490.1).
Identifiers: ClinVar variation 2855695 (VCV002855695.10), dbSNP rs2509337576, ClinGen allele CA493822138.
Genomic context (GRCh38, chr16:19,071,992, plus strand): 5'-TGGAAGAAGAACCAGTGTCAGATTTCGCAGTTCAGGAATGACTTTAGACAATATCAGTCG[G>A]GCAGCTGTGGATCGAATAATCCGGGTGGATCATGCAGGCGAATATGGAGCAAACCGCATC-3'
Protein context (NP_057222.2, residues 36-56): SSGMTLDNIS[Arg46=]AAVDRIIRVD

ClinVar aggregate classification (germline): Likely benign. Review status: criteria provided, multiple submitters, no conflicts (2 of 4 stars). 2 submissions from 2 submitters: Likely benign (2). Last evaluated 2025-03-01.

Allele frequency attached by ClinVar (database versions not stated): gnomAD exomes below 0.00001.
gnomAD v4.1: 2 of 1,614,234 alleles (0.00012%); highest among the groups gnomAD compares: Non-Finnish European, 0.00017%; no homozygotes.

Submissions (2):

CeGaT Center for Human Genetics Tuebingen
Classification: Likely benign. Last evaluated: 2025-03-01. Review status: criteria provided, single submitter. Criteria: CeGaT Center For Human Genetics Tuebingen Variant Classification Criteria Version 2. Collection method: clinical testing. Allele origin: germline. Affected: yes. Observed: 1 variant allele.
Comment: COQ7: BP4, BP7

Labcorp Genetics (formerly Invitae), Labcorp
Classification: Likely benign. Last evaluated: 2023-12-06. Review status: criteria provided, single submitter. Criteria: Invitae Variant Classification Sherloc (09022015). Collection method: clinical testing. Allele origin: germline.